The following is an entry in ClinVar:

ClinVar aggregate classification (germline): Uncertain significance (1 of 4 stars; one submission).

Conditions:
Cardiomyopathy (CMYO). Also called: Cardiomyopathies. Identifiers: Orphanet 167848, MedGen C0878544, MONDO:0004994, HP:0001638. Inheritance: Various modes of inheritance.

Submission:

Color Diagnostics, LLC DBA Color Health
Classification: Uncertain significance for Cardiomyopathy. Last evaluated: 2024-03-06. Review status: criteria provided, single submitter. Criteria: ACMG Guidelines, 2015. Collection method: clinical testing. Allele origin: germline.
Comment: This missense variant replaces asparagine with lysine at codon 169 of the TMEM43 protein. Computational prediction is inconclusive regarding the impact of this variant on protein structure and function (internally defined REVEL score threshold 0.5 < inconclusive < 0.7, PMID: 27666373). To our knowledge, functional studies have not been reported for this variant. This variant has not been reported in individuals affected with cardiovascular disorders in the literature. This variant has not been identified in the general population by the Genome Aggregation Database (gnomAD). The available evidence is insufficient to determine the role of this variant in disease conclusively. Therefore, this variant is classified as a Variant of Uncertain Significance.

NM_024334.3(TMEM43):c.507C>G (p.Asn169Lys)

Gene: TMEM43 (transmembrane protein 43; plus strand). Cytogenetic location: 3p25.1.
Variant type: single nucleotide variant.
Coding change: c.507C>G on transcript NM_024334.3 (MANE Select); coding-DNA position 507, C replaced by G.
Protein change: p.Asn169Lys; replaces asparagine 169 with lysine.
Molecular consequence: missense variant.
Genome position (GRCh38, 1-based): chr3:14,132,930, C>G. VCF-style: chr3-14132930-C-G. GRCh37 (hg19) VCF-style: chr3-14174430-C-G.
Other names: short protein forms N169K.
Identifiers: ClinVar variation 926803 (VCV000926803.4), dbSNP rs1190919354, ClinGen allele CA351535243.